The following is an entry in ClinVar:

ClinVar aggregate classification (germline): Uncertain significance (1 of 4 stars; one submission).

Conditions:
Xanthinuria type II. Also called: Xanthine dehydrogenase and aldehyde oxidase combined deficiency of; XDH and AOX dual deficiency. Identifiers: Orphanet 3467, Orphanet 93602, MedGen C1863688, MONDO:0011346, OMIM 603592.

Allele frequency attached by ClinVar (database versions not stated): gnomAD exomes 0.00002; 1000 Genomes Project 30x 0.00016; 1000 Genomes Project 0.00020.
gnomAD v4.1: 26 of 1,614,158 alleles (0.0016%); highest among the groups gnomAD compares: Middle Eastern, 0.033%; no homozygotes.

Submission:

Labcorp Genetics (formerly Invitae), Labcorp
Classification: Uncertain significance for Xanthinuria type II. Last evaluated: 2024-05-27. Review status: criteria provided, single submitter. Criteria: Invitae Variant Classification Sherloc (09022015). Collection method: clinical testing. Allele origin: germline.
Comment: This sequence change replaces threonine, which is neutral and polar, with isoleucine, which is neutral and non-polar, at codon 1131 of the XDH protein (p.Thr1131Ile). This variant is present in population databases (rs550042471, gnomAD 0.004%). This variant has not been reported in the literature in individuals affected with XDH-related conditions. ClinVar contains an entry for this variant (Variation ID: 1053055). An algorithm developed to predict the effect of missense changes on protein structure and function (PolyPhen-2) suggests that this variant is likely to be disruptive. In summary, the available evidence is currently insufficient to determine the role of this variant in disease. Therefore, it has been classified as a Variant of Uncertain Significance.

NM_000379.4(XDH):c.3392C>T (p.Thr1131Ile)

Gene: XDH (xanthine dehydrogenase; minus strand). Cytogenetic location: 2p23.1.
Variant type: single nucleotide variant.
Coding change: c.3392C>T on transcript NM_000379.4 (MANE Select); coding-DNA position 3392, C replaced by T.
Protein change: p.Thr1131Ile; replaces threonine 1131 with isoleucine.
Molecular consequence: missense variant.
Genome position (GRCh38, 1-based): chr2:31,344,696, G>A on the plus strand (C>T on the coding strand, the complement: XDH is on the minus strand). VCF-style: chr2-31344696-G-A. GRCh37 (hg19) VCF-style: chr2-31567562-G-A.
Other names: short protein forms T1131I.
Identifiers: ClinVar variation 1053055 (VCV001053055.9), dbSNP rs550042471, ClinGen allele CA1598409.